The following is an entry in ClinVar:

ClinVar aggregate classification (germline): Likely benign (0 of 4 stars; one submission).

Conditions:
PAK1-related disorder. Also called: PAK1-related condition.

Allele frequency attached by ClinVar (database versions not stated): TOPMed 0.00001.

Submission:

PreventionGenetics, part of Exact Sciences
Classification: Likely benign for PAK1-related condition. Last evaluated: 2020-04-29. Review status: no assertion criteria provided. Collection method: clinical testing. Allele origin: germline.
Comment: This variant is classified as likely benign based on ACMG/AMP sequence variant interpretation guidelines (Richards et al. 2015 PMID: 25741868, with internal and published modifications).

NM_002576.5(PAK1):c.1189T>C (p.Leu397=)

Gene: PAK1 (p21 (RAC1) activated kinase 1; minus strand). Cytogenetic location: 11q13.5.
Variant type: single nucleotide variant.
Coding change: c.1189T>C on transcript NM_002576.5 (MANE Select); coding-DNA position 1189, T replaced by C.
Protein change: p.Leu397=; no amino-acid change (leucine 397 retained).
Molecular consequence: synonymous variant. On other transcripts: non-coding transcript variant (2), intron variant (2).
Genome position (GRCh38, 1-based): chr11:77,337,351, A>G on the plus strand (T>C on the coding strand, the complement: PAK1 is on the minus strand). VCF-style: chr11-77337351-A-G. GRCh37 (hg19) VCF-style: chr11-77048396-A-G.
Other names: c.1189T>C, p.Leu397= (NM_001128620.2, NM_001376268.1, NM_001376269.1 and 21 more transcripts); c.1210T>C, p.Leu404= (NM_001376272.1); c.1180T>C, p.Leu394= (NM_001376294.1); c.1012T>C, p.Leu338= (NM_001376295.1); c.940T>C, p.Leu314= (NM_001376301.1); c.895T>C, p.Leu299= (NM_001376302.1, NM_001376304.1, NM_001376305.1); c.901T>C, p.Leu301= (NM_001376303.1); c.1117-1092T>C (NM_001376290.1, NM_001376291.1).
Identifiers: ClinVar variation 3054709 (VCV003054709.2), dbSNP rs1253650211, ClinGen allele CA475980358.